The following is an entry in ClinVar:

NM_001145358.2(SIN3A):c.2405C>T (p.Thr802Ile)

Gene: SIN3A (SIN3 transcription regulator family member A; minus strand). Cytogenetic location: 15q24.2.
Variant type: single nucleotide variant.
Coding change: c.2405C>T on transcript NM_001145358.2 (MANE Select); coding-DNA position 2405, C replaced by T.
Protein change: p.Thr802Ile; replaces threonine 802 with isoleucine.
Molecular consequence: missense variant.
Genome position (GRCh38, 1-based): chr15:75,392,688, G>A on the plus strand (C>T on the coding strand, the complement: SIN3A is on the minus strand). VCF-style: chr15-75392688-G-A. GRCh37 (hg19) VCF-style: chr15-75685029-G-A.
Other names: c.2405C>T, p.Thr802Ile (NM_001145357.2, NM_015477.3); short protein forms T802I.
Identifiers: ClinVar variation 2057542 (VCV002057542.4), dbSNP rs2543076739, ClinGen allele CA393491892.

ClinVar aggregate classification (germline): Uncertain significance (1 of 4 stars; one submission).

Allele frequency attached by ClinVar (database versions not stated): gnomAD exomes below 0.00001.
gnomAD v4.1: 1 of 1,614,126 alleles (0.000062%); highest among the groups gnomAD compares: Non-Finnish European, 0.000085%; no homozygotes.

Submission:

Labcorp Genetics (formerly Invitae), Labcorp
Classification: Uncertain significance. Last evaluated: 2024-10-29. Review status: criteria provided, single submitter. Criteria: Invitae Variant Classification Sherloc (09022015). Collection method: clinical testing. Allele origin: germline.
Comment: This sequence change replaces threonine, which is neutral and polar, with isoleucine, which is neutral and non-polar, at codon 802 of the SIN3A protein (p.Thr802Ile). This variant is not present in population databases (gnomAD no frequency). This variant has not been reported in the literature in individuals affected with SIN3A-related conditions. ClinVar contains an entry for this variant (Variation ID: 2057542). Invitae Evidence Modeling of protein sequence and biophysical properties (such as structural, functional, and spatial information, amino acid conservation, physicochemical variation, residue mobility, and thermodynamic stability) indicates that this missense variant is not expected to disrupt SIN3A protein function with a negative predictive value of 80%. In summary, the available evidence is currently insufficient to determine the role of this variant in disease. Therefore, it has been classified as a Variant of Uncertain Significance.